The following is an entry in ClinVar:

NM_000081.4(LYST):c.1126C>A (p.Pro376Thr)

Gene: LYST (lysosomal trafficking regulator; minus strand). Cytogenetic location: 1q42.3.
Variant type: single nucleotide variant.
Coding change: c.1126C>A on transcript NM_000081.4 (MANE Select); coding-DNA position 1126, C replaced by A.
Protein change: p.Pro376Thr; replaces proline 376 with threonine.
Molecular consequence: missense variant.
Genome position (GRCh38, 1-based): chr1:235,809,692, G>T on the plus strand (C>A on the coding strand, the complement: LYST is on the minus strand). VCF-style: chr1-235809692-G-T. GRCh37 (hg19) VCF-style: chr1-235972992-G-T.
Other names: c.1126C>A, p.Pro376Thr (NM_001301365.1); short protein forms P376T.
Identifiers: ClinVar variation 2075670 (VCV002075670.2), dbSNP rs770362521, ClinGen allele CA1467513.
Genomic context (GRCh38, chr1:235,809,692, plus strand): 5'-GACGATACTTTGAAAACACAAAATCTTCCTGAACCTCCTGCAGTGTTTTCTTTTGTCTTG[G>T]TGCAAAAGGGTCAGGCTGCTTTTCTAGGCATATTCTAATTTTTAAAGCTGCTCTAAGCAA-3'
Protein context (NP_000072.2, residues 366-386): CLEKQPDPFA[Pro376Thr]RQKKTLQEVQ

ClinVar aggregate classification (germline): Uncertain significance (1 of 4 stars; one submission).

Conditions:
Chédiak-Higashi syndrome (CHS). Also called: Chediak-Higashi Syndrome. Identifiers: Orphanet 167, MedGen C0007965, MONDO:0008963, OMIM 214500.

Allele frequency attached by ClinVar (database versions not stated): gnomAD exomes below 0.00001; ExAC 0.00002; TOPMed 0.00002.
gnomAD v4.1: 6 of 1,613,556 alleles (0.00037%); highest among the groups gnomAD compares: Non-Finnish European, 0.00051%; no homozygotes.

Submission:

Labcorp Genetics (formerly Invitae), Labcorp
Classification: Uncertain significance for Chédiak-Higashi syndrome. Last evaluated: 2024-01-15. Review status: criteria provided, single submitter. Criteria: Invitae Variant Classification Sherloc (09022015). Collection method: clinical testing. Allele origin: germline.
Comment: This sequence change replaces proline, which is neutral and non-polar, with threonine, which is neutral and polar, at codon 376 of the LYST protein (p.Pro376Thr). This variant is present in population databases (rs770362521, gnomAD 0.002%). This variant has not been reported in the literature in individuals affected with LYST-related conditions. ClinVar contains an entry for this variant (Variation ID: 2075670). Advanced modeling of protein sequence and biophysical properties (such as structural, functional, and spatial information, amino acid conservation, physicochemical variation, residue mobility, and thermodynamic stability) performed at Invitae indicates that this missense variant is not expected to disrupt LYST protein function with a negative predictive value of 80%. In summary, the available evidence is currently insufficient to determine the role of this variant in disease. Therefore, it has been classified as a Variant of Uncertain Significance.